The following is an entry in ClinVar:

NM_022051.3(EGLN1):c.746A>G (p.Lys249Arg)

Gene: EGLN1 (egl-9 family hypoxia inducible factor 1; minus strand). Cytogenetic location: 1q42.2.
Variant type: single nucleotide variant.
Coding change: c.746A>G on transcript NM_022051.3 (MANE Select); coding-DNA position 746, A replaced by G.
Protein change: p.Lys249Arg; replaces lysine 249 with arginine.
Molecular consequence: missense variant.
Genome position (GRCh38, 1-based): chr1:231,421,143, T>C on the plus strand (A>G on the coding strand, the complement: EGLN1 is on the minus strand). VCF-style: chr1-231421143-T-C. GRCh37 (hg19) VCF-style: chr1-231556889-T-C.
Other names: c.746A>G, p.Lys249Arg (NM_001377260.1, NM_001377261.1); short protein forms K249R.
Identifiers: ClinVar variation 1759043 (VCV001759043.4), dbSNP rs752975669, ClinGen allele CA1453114.

ClinVar aggregate classification (germline): Uncertain significance. Review status: criteria provided, multiple submitters, no conflicts (2 of 4 stars). 2 submissions from 2 submitters: Uncertain significance (2). Last evaluated 2025-09-16.

Conditions:
Erythrocytosis, familial, 3 (ECYT3). Identifiers: Orphanet 247511, MedGen C1853286, MONDO:0012353, OMIM 609820.

Allele frequency attached by ClinVar (database versions not stated): gnomAD exomes below 0.00001; ExAC 0.00001.
gnomAD v4.1: 5 of 1,614,202 alleles (0.00031%); highest among the groups gnomAD compares: East Asian, 0.0045%; no homozygotes.

Submissions (2):

Labcorp Genetics (formerly Invitae), Labcorp
Classification: Uncertain significance for Erythrocytosis, familial, 3. Last evaluated: 2025-09-16. Review status: criteria provided, single submitter. Criteria: Invitae Variant Classification Sherloc (09022015). Collection method: clinical testing. Allele origin: germline.
Comment: This sequence change replaces lysine, which is basic and polar, with arginine, which is basic and polar, at codon 249 of the EGLN1 protein (p.Lys249Arg). This variant is present in population databases (rs752975669, gnomAD 0.006%). This variant has not been reported in the literature in individuals affected with EGLN1-related conditions. ClinVar contains an entry for this variant (Variation ID: 1759043). An algorithm developed to predict the effect of missense changes on protein structure and function (PolyPhen-2) suggests that this variant is likely to be tolerated. In summary, the available evidence is currently insufficient to determine the role of this variant in disease. Therefore, it has been classified as a Variant of Uncertain Significance.

Ambry Genetics
Classification: Uncertain significance. Last evaluated: 2024-08-17. Review status: criteria provided, single submitter. Criteria: Ambry Variant Classification Scheme 2023. Collection method: clinical testing. Allele origin: germline.
Comment: The p.K249R variant (also known as c.746A>G), located in coding exon 1 of the EGLN1 gene, results from an A to G substitution at nucleotide position 746. The lysine at codon 249 is replaced by arginine, an amino acid with highly similar properties. This amino acid position is conserved. In addition, this alteration is predicted to be tolerated by in silico analysis. Since supporting evidence is limited at this time, the clinical significance of this alteration remains unclear.